The following is an entry in ClinVar:

NM_001077350.3(NPRL3):c.138C>G (p.Tyr46Ter)

Genes: HBA-LCR (alpha-globin locus control region; plus strand), NPRL3 (NPR3 like, GATOR1 complex subunit; minus strand). Cytogenetic location: 16p13.3.
Variant type: single nucleotide variant.
Coding change: c.138C>G on transcript NM_001077350.3 (MANE Select); coding-DNA position 138, C replaced by G.
Protein change: p.Tyr46Ter; replaces tyrosine 46 with a stop codon.
Molecular consequence: nonsense. On other transcripts: 5 prime UTR variant (2).
Genome position (GRCh38, 1-based): chr16:130,572, G>C on the plus strand (C>G on the coding strand, the complement: NPRL3 is on the minus strand). VCF-style: chr16-130572-G-C. GRCh37 (hg19) VCF-style: chr16-180571-G-C.
Other names: c.-195C>G (NM_001039476.3); c.-234C>G (NM_001243247.2); c.138C>G, p.Tyr46Ter (NM_001243248.2, NM_001243249.2); short protein forms Y46*.
Identifiers: ClinVar variation 542792 (VCV000542792.6), dbSNP rs1021001959, ClinGen allele CA393997877.

ClinVar aggregate classification (germline): Pathogenic (1 of 4 stars; one submission).

Conditions:
Epilepsy, familial focal, with variable foci 3 (FFEVF3). Identifiers: MedGen C4310708, MONDO:0014925, OMIM 617118.

Submission:

Labcorp Genetics (formerly Invitae), Labcorp
Classification: Pathogenic for Epilepsy, familial focal, with variable foci 3. Last evaluated: 2017-09-20. Review status: criteria provided, single submitter. Criteria: Invitae Variant Classification Sherloc (09022015). Collection method: clinical testing. Allele origin: germline.
Comment: For these reasons, this variant has been classified as Pathogenic. Loss-of-function variants in NPRL3 are known to be pathogenic (PMID: 26285051, 26505888). This variant has not been reported in the literature in individuals with NPRL3-related disease. This variant is not present in population databases (ExAC no frequency). This sequence change creates a premature translational stop signal (p.Tyr46*) in the NPRL3 gene. It is expected to result in an absent or disrupted protein product.

Literature cited by the submitters: PubMed 26285051; PubMed 26505888.